The following is an entry in ClinVar:

NM_002755.4(MAP2K1):c.438+4T>C

Gene: MAP2K1 (mitogen-activated protein kinase kinase 1; plus strand). Cytogenetic location: 15q22.31.
Variant type: single nucleotide variant.
Coding change: c.438+4T>C on transcript NM_002755.4 (MANE Select); 4 bases into the intron after coding-DNA position 438, T replaced by C.
Molecular consequence: intron variant.
Genome position (GRCh38, 1-based): chr15:66,436,896, T>C. VCF-style: chr15-66436896-T-C. GRCh37 (hg19) VCF-style: chr15-66729234-T-C.
Other names: c.372+4T>C (NM_001411065.1).
Identifiers: ClinVar variation 3730282 (VCV003730282.2).

ClinVar aggregate classification (germline): Uncertain significance (1 of 4 stars; one submission).

Conditions:
RASopathy. Also called: rasopathies; Noonan spectrum disorder. Identifiers: Orphanet 536391, MedGen C5555857, MONDO:0021060.

Submission:

Labcorp Genetics (formerly Invitae), Labcorp
Classification: Uncertain significance for RASopathy. Last evaluated: 2024-03-29. Review status: criteria provided, single submitter. Criteria: Invitae Variant Classification Sherloc (09022015). Collection method: clinical testing. Allele origin: germline.
Comment: This sequence change falls in intron 3 of the MAP2K1 gene. It does not directly change the encoded amino acid sequence of the MAP2K1 protein. It affects a nucleotide within the consensus splice site. This variant is not present in population databases (gnomAD no frequency). This variant has not been reported in the literature in individuals affected with MAP2K1-related conditions. Variants that disrupt the consensus splice site are a relatively common cause of aberrant splicing (PMID: 17576681, 9536098). Algorithms developed to predict the effect of sequence changes on RNA splicing suggest that this variant is not likely to affect RNA splicing. In summary, the available evidence is currently insufficient to determine the role of this variant in disease. Therefore, it has been classified as a Variant of Uncertain Significance.

Literature cited by the submitters: PubMed 17576681; PubMed 9536098.